The following is an entry in ClinVar:

ClinVar aggregate classification (germline): Conflicting classifications of pathogenicity. Review status: criteria provided, conflicting classifications (1 of 4 stars). 4 submissions from 4 submitters: Uncertain significance (1); Likely benign (3). Last evaluated 2026-02-04.

Conditions:
Congenital glucose-galactose malabsorption (GGM). Also called: MONOSACCHARIDE MALABSORPTION; DIARRHEA 16. Identifiers: Orphanet 35710, MedGen C0268186, MONDO:0011731, OMIM 606824.

Allele frequency attached by ClinVar (database versions not stated): 1000 Genomes Project 30x 0.00031; TOPMed 0.00070; gnomAD 0.00081; ESP Exome Variant Server 0.00108; ExAC 0.00204.
gnomAD v4.1: 2,255 of 1,613,984 alleles (0.14%); highest among the groups gnomAD compares: Non-Finnish European, 0.17%; no homozygotes.

Submissions (4):

Labcorp Genetics (formerly Invitae), Labcorp
Classification: Likely benign for Congenital glucose-galactose malabsorption. Last evaluated: 2026-02-04. Review status: criteria provided, single submitter. Criteria: Invitae Variant Classification Sherloc (09022015). Collection method: clinical testing. Allele origin: germline.

Blueprint Genetics
Classification: Likely benign. Last evaluated: 2024-11-27. Review status: criteria provided, single submitter. Criteria: ACMG Guidelines, 2015. Collection method: clinical testing. Allele origin: germline.

Illumina Laboratory Services, Illumina
Classification: Likely benign for Congenital glucose-galactose malabsorption. Last evaluated: 2018-01-12. Review status: criteria provided, single submitter. Criteria: ICSL Variant Classification Criteria 13 December 2019. Collection method: clinical testing. Allele origin: germline.
Comment: This variant was observed in the ICSL laboratory as part of a predisposition screen in an ostensibly healthy population. It had not been previously curated by ICSL or reported in the Human Gene Mutation Database (HGMD: prior to June 1st, 2018), and was therefore a candidate for classification through an automated scoring system. Utilizing variant allele frequency, disease prevalence and penetrance estimates, and inheritance mode, an automated score was calculated to assess if this variant is too frequent to cause the disease. Based on the score and internal cut-off values, a variant classified as likely benign is not then subjected to further curation. The score for this variant resulted in a classification of likely benign for this disease.

Center for Pediatric Genomic Medicine, Children's Mercy Hospital and Clinics
Classification: Uncertain significance. Last evaluated: 2016-07-12. Review status: criteria provided, single submitter. Criteria: ACMG Guidelines, 2015. Collection method: clinical testing. Allele origin: germline.
ClinVar note: Converted during submission from Uncertain Significance to Uncertain significance.

NM_000343.4(SLC5A1):c.1846G>A (p.Gly616Ser)

Gene: SLC5A1 (solute carrier family 5 member 1; plus strand). Cytogenetic location: 22q12.3.
Variant type: single nucleotide variant.
Coding change: c.1846G>A on transcript NM_000343.4 (MANE Select); coding-DNA position 1846, G replaced by A.
Protein change: p.Gly616Ser; replaces glycine 616 with serine.
Molecular consequence: missense variant.
Genome position (GRCh38, 1-based): chr22:32,110,064, G>A. VCF-style: chr22-32110064-G-A. GRCh37 (hg19) VCF-style: chr22-32506051-G-A.
Other names: c.1465G>A, p.Gly489Ser (NM_001256314.2); short protein forms G616S, G489S.
Identifiers: ClinVar variation 341264 (VCV000341264.15), dbSNP rs61733910, ClinGen allele CA10198352.
Genomic context (GRCh38, chr22:32,110,064, plus strand): 5'-GAGAAGAAAAAAGGAATCTTCAGGAGAGCCTATGACCTATTTTGTGGGCTAGAGCAGCAC[G>A]GTGCACCCAAGATGACTGAGGAAGAGGAGAAAGCCATGAAGATGAAGATGACGGACACCT-3'
Protein context (NP_000334.1, residues 606-626): YDLFCGLEQH[Gly616Ser]APKMTEEEEK